The following is an entry in ClinVar:

ClinVar aggregate classification (germline): Pathogenic (1 of 4 stars; one submission).

Submission:

Quest Diagnostics Nichols Institute San Juan Capistrano
Classification: Pathogenic. Last evaluated: 2024-02-20. Review status: criteria provided, single submitter. Criteria: ACMG/ClinGen CNV Guidelines, 2019. Collection method: clinical testing. Allele origin: unknown.
Comment: This copy number loss represents the recurrent 16p13.11 BP2-BP3 deletion region (ISCA-37415), containing the proposed critical genes NDE1 (OMIM 609449) and MYH11 (OMIM 160745) (Granata 2022, Heinzen 2010, Nagamani 2011, Ullmann 2007). Inheritance from an unaffected or mildly affected parent has been reported. This copy number variant (CNV) is classified as pathogenic. References: Granata et al., Front Genet. 2022 Mar 15;13:798607. PMID: 35368691; Heinzen et al., Am J Hum Genet. 2010 May 14;86(5):707-18. PMID: 20398883; Nagamani et al., Eur J Hum Genet. 2011 Mar;19(3):280-6. PMID: 21150890; Ullmann et al., Hum Mutat. 2007 Jul;28(7):674-82. PMID: 17480036

GRCh37/hg19 16p13.11(chr16:15450290-16458408)x1

Genes: BMERB1 (bMERB domain containing 1; plus strand), ABCC1 (ATP binding cassette subfamily C member 1 (ABCC1 blood group); plus strand), ABCC6 (ATP binding cassette subfamily C member 6; minus strand), CEP20 (centrosomal protein 20; minus strand), MARF1 (meiosis regulator and mRNA stability factor 1; minus strand) and 5 more. Cytogenetic location: 16p13.11.
Variant type: copy number loss.
Change: copy number 1 (one copy instead of two) of chr16:15,450,290-16,458,408 (1.01 Mb, GRCh37 coordinates, 1-based), cytogenetic band 16p13.11.
Identifiers: ClinVar variation 2685561 (VCV002685561.1).